The following is an entry in ClinVar:

NM_003031.4(SIAH1):c.108G>A (p.Ala36=)

Genes: LONP2 (lon peptidase 2, peroxisomal; plus strand), SIAH1 (siah E3 ubiquitin protein ligase 1; minus strand). Cytogenetic location: 16q12.1.
Variant type: single nucleotide variant.
Coding change: c.108G>A on transcript NM_003031.4 (MANE Select); coding-DNA position 108, G replaced by A.
Protein change: p.Ala36=; no amino-acid change (alanine 36 retained).
Molecular consequence: synonymous variant. On other transcripts: 3 prime UTR variant (1).
Genome position (GRCh38, 1-based): chr16:48,362,321, C>T on the plus strand (G>A on the coding strand, the complement: SIAH1 is on the minus strand). VCF-style: chr16-48362321-C-T. GRCh37 (hg19) VCF-style: chr16-48396232-C-T.
Other names: c.201G>A, p.Ala67= (NM_001006610.2); c.*725C>T (NM_001348078.2).
Identifiers: ClinVar variation 2646500 (VCV002646500.22), dbSNP rs372493841, ClinGen allele CA8045097.

ClinVar aggregate classification (germline): Likely benign (1 of 4 stars; one submission).

Allele frequency attached by ClinVar (database versions not stated): gnomAD 0.00016; ExAC 0.00003; TOPMed 0.00019; gnomAD exomes 0.00002; ESP Exome Variant Server 0.00008.
gnomAD v4.1: 59 of 1,614,030 alleles (0.0037%); highest among the groups gnomAD compares: African/African-American, 0.033%; 1 homozygote.

Submission:

CeGaT Center for Human Genetics Tuebingen
Classification: Likely benign. Last evaluated: 2023-03-01. Review status: criteria provided, single submitter. Criteria: CeGaT Center For Human Genetics Tuebingen Variant Classification Criteria Version 2. Collection method: clinical testing. Allele origin: germline. Affected: yes. Observed: 1 variant allele.
Comment: SIAH1: BP4, BP7